The following is an entry in ClinVar:

ClinVar aggregate classification (germline): Benign/Likely benign. Review status: criteria provided, multiple submitters, no conflicts (2 of 4 stars). 7 submissions from 7 submitters: Benign (3); Likely benign (2). 2 of the submissions do not count toward it. Last evaluated 2026-07-01.

Conditions:
MTFMT-related disorder. Also called: MTFMT-related condition.

Allele frequency attached by ClinVar (database versions not stated): 1000 Genomes Project 30x 0.00234; TOPMed 0.00636; ESP Exome Variant Server 0.00717.
gnomAD v4.1: 13,227 of 1,429,500 alleles (0.93%); highest among the groups gnomAD compares: Non-Finnish European, 1.1%; 80 homozygotes.

Submissions (7):

CeGaT Center for Human Genetics Tuebingen
Classification: Benign. Last evaluated: 2026-07-01. Review status: criteria provided, single submitter. Criteria: CeGaT Center For Human Genetics Tuebingen Variant Classification Criteria Version 2. Collection method: clinical testing. Allele origin: germline. Affected: yes. Observed: 27 variant alleles.
Comment: MTFMT: BS1, BS2

Labcorp Genetics (formerly Invitae), Labcorp
Classification: Benign. Last evaluated: 2026-01-19. Review status: criteria provided, single submitter. Criteria: Invitae Variant Classification Sherloc (09022015). Collection method: clinical testing. Allele origin: germline.

Blueprint Genetics
Classification: Likely benign. Last evaluated: 2024-11-27. Review status: criteria provided, single submitter. Criteria: ACMG Guidelines, 2015. Collection method: clinical testing. Allele origin: germline.

GeneDx
Classification: Benign. Last evaluated: 2018-02-12. Review status: criteria provided, single submitter. Criteria: GeneDx Variant Classification (06012015). Collection method: clinical testing. Allele origin: germline. Affected: yes.
Comment: This variant is considered likely benign or benign based on one or more of the following criteria: it is a conservative change, it occurs at a poorly conserved position in the protein, it is predicted to be benign by multiple in silico algorithms, and/or has population frequency not consistent with disease.

Center for Pediatric Genomic Medicine, Children's Mercy Hospital and Clinics
Classification: Likely benign. Last evaluated: 2017-03-20. Review status: criteria provided, single submitter. Criteria: ACMG Guidelines, 2015. Collection method: clinical testing. Allele origin: germline.

PreventionGenetics, part of Exact Sciences
Classification: Benign for MTFMT-related condition. Last evaluated: 2019-06-04. Review status: no assertion criteria provided. Collection method: clinical testing. Allele origin: germline. Not counted in ClinVar's aggregate classification.
Comment: This variant is classified as benign based on ACMG/AMP sequence variant interpretation guidelines (Richards et al. 2015 PMID: 25741868, with internal and published modifications).

Mayo Clinic Laboratories, Mayo Clinic
Classification: Likely benign. Last evaluated: 2016-03-09. Review status: no assertion criteria provided. Collection method: clinical testing. Allele origin: unknown. Not counted in ClinVar's aggregate classification.

NM_139242.4(MTFMT):c.16C>T (p.Arg6Trp)

Gene: MTFMT (mitochondrial methionyl-tRNA formyltransferase; minus strand). Cytogenetic location: 15q22.31.
Variant type: single nucleotide variant.
Coding change: c.16C>T on transcript NM_139242.4 (MANE Select); coding-DNA position 16, C replaced by T.
Protein change: p.Arg6Trp; replaces arginine 6 with tryptophan.
Molecular consequence: missense variant.
Genome position (GRCh38, 1-based): chr15:65,029,598, G>A on the plus strand (C>T on the coding strand, the complement: MTFMT is on the minus strand). VCF-style: chr15-65029598-G-A. GRCh37 (hg19) VCF-style: chr15-65321936-G-A.
Other names: short protein forms R6W.
Identifiers: ClinVar variation 374493 (VCV000374493.61), dbSNP rs199599204, ClinGen allele CA7613443.